The following is an entry in ClinVar:

ClinVar aggregate classification (germline): Uncertain significance. Review status: criteria provided, multiple submitters, no conflicts (2 of 4 stars). 2 submissions from 2 submitters: Uncertain significance (2). Last evaluated 2022-05-20.

Conditions:
Vitamin D-dependent rickets type II with alopecia (VDDR2A). Also called: GENERALIZED RESISTANCE TO 1,25-DIHYDROXYVITAMIN D; HYPOCALCEMIC VITAMIN D-RESISTANT RICKETS; PDDR IIA; PSEUDOVITAMIN D-DEFICIENCY, TYPE IIA; RICKETS, HEREDITARY VITAMIN D-RESISTANT; RICKETS-ALOPECIA SYNDROME. Identifiers: Orphanet 93160, MedGen C0342646, MONDO:0010186, OMIM 277440.

Allele frequency attached by ClinVar (database versions not stated): gnomAD 0.00001; gnomAD exomes 0.00002 and 0.00003; ExAC 0.00003; TOPMed 0.00003; ESP Exome Variant Server 0.00008.
gnomAD v4.1: 38 of 1,614,030 alleles (0.0024%); highest among the groups gnomAD compares: East Asian, 0.0067%; no homozygotes.

Submissions (2):

Molecular Lab, Department of Haematology, Christian Medical College
Classification: Uncertain significance for Vitamin D-dependent rickets type II with alopecia. Last evaluated: 2022-05-20. Review status: criteria provided, single submitter. Criteria: ACMG Guidelines, 2015. Collection method: clinical testing. Allele origin: germline. Affected: yes. Observed: 1 variant allele.

Labcorp Genetics (formerly Invitae), Labcorp
Classification: Uncertain significance. Last evaluated: 2021-08-31. Review status: criteria provided, single submitter. Criteria: Invitae Variant Classification Sherloc (09022015). Collection method: clinical testing. Allele origin: germline.
Comment: This sequence change replaces asparagine with serine at codon 37 of the VDR protein (p.Asn37Ser). The asparagine residue is highly conserved and there is a small physicochemical difference between asparagine and serine. This variant is present in population databases (rs370473254, ExAC 0.01%). This missense change has been observed in individual(s) with clinical features of vitamin D-dependent rickets type 2A although a second variant is not observed (PMID: 26787776). This variant is also known as p.Asn87Ser. Algorithms developed to predict the effect of missense changes on protein structure and function are either unavailable or do not agree on the potential impact of this missense change (SIFT: "Deleterious"; PolyPhen-2: "Probably Damaging"; Align-GVGD: "Class C0"). Algorithms developed to predict the effect of sequence changes on RNA splicing suggest that this variant may create or strengthen a splice site. In summary, the available evidence is currently insufficient to determine the role of this variant in disease. Therefore, it has been classified as a Variant of Uncertain Significance.

Literature cited by the submitters: PubMed 26787776 (cited by Labcorp Genetics (formerly Invitae), Labcorp).

NM_000376.3(VDR):c.110A>G (p.Asn37Ser)

Gene: VDR (vitamin D receptor; minus strand). Cytogenetic location: 12q13.11.
Variant type: single nucleotide variant.
Coding change: c.110A>G on transcript NM_000376.3 (MANE Select); coding-DNA position 110, A replaced by G.
Protein change: p.Asn37Ser; replaces asparagine 37 with serine.
Molecular consequence: missense variant.
Genome position (GRCh38, 1-based): chr12:47,879,004, T>C on the plus strand (A>G on the coding strand, the complement: VDR is on the minus strand). VCF-style: chr12-47879004-T-C. GRCh37 (hg19) VCF-style: chr12-48272787-T-C.
Other names: c.110A>G, p.Asn37Ser (NM_001017535.2, NM_001364085.2, NM_001374661.1 and 1 more transcripts); c.260A>G, p.Asn87Ser (NM_001017536.2); short protein forms N37S, N87S.
Identifiers: ClinVar variation 1407165 (VCV001407165.7), dbSNP rs370473254, ClinGen allele CA6534077.